The following is an entry in ClinVar:

ClinVar aggregate classification (germline): Likely pathogenic. Review status: criteria provided, multiple submitters, no conflicts (2 of 4 stars). 3 submissions from 3 submitters: Likely pathogenic (3). Last evaluated 2023-06-07.

Conditions:
Hereditary cancer-predisposing syndrome. Also called: Hereditary neoplastic syndrome; Tumor predisposition; Neoplastic Syndromes, Hereditary; Hereditary Cancer Syndrome. Identifiers: Orphanet 140162, MedGen C0027672, MeSH D009386, MONDO:0015356.
Familial cancer of breast. Also called: hereditary breast carcinoma; BREAST CANCER, FAMILIAL; Hereditary breast cancer. Identifiers: Orphanet 227535, MedGen C0346153, MONDO:0016419, OMIM 114480. Disease mechanism: loss of function.
Fanconi anemia complementation group J. Also called: BRIP1-Related Fanconi Anemia. Identifiers: Orphanet 84, MedGen C1836860, MONDO:0012187, OMIM 609054.

Submissions (3):

Myriad Genetics, Inc.
Classification: Likely pathogenic for Familial cancer of breast. Last evaluated: 2023-06-07. Review status: criteria provided, single submitter. Criteria: Myriad Autosomal Dominant, Autosomal Recessive and X-Linked Classification Criteria (2023). Collection method: clinical testing. Allele origin: unknown.
Comment: This variant is considered likely pathogenic. This variant occurs within a consensus splice junction and is predicted to result in abnormal mRNA splicing of either an out-of-frame exon or an in-frame exon necessary for protein stability and/or normal function.

Ambry Genetics
Classification: Likely pathogenic for Hereditary cancer-predisposing syndrome. Last evaluated: 2022-07-27. Review status: criteria provided, single submitter. Criteria: Ambry Variant Classification Scheme 2023. Collection method: clinical testing. Allele origin: germline.
Comment: The c.2575+1G>T intronic variant results from a G to T substitution one nucleotide after coding exon 17 of the BRIP1 gene. Alterations that disrupt the canonical splice site are expected to cause aberrant splicing, resulting in an abnormal protein or a transcript that is subject to nonsense-mediated mRNA decay; however, direct evidence is insufficient at this time (Ambry internal data). This nucleotide position is highly conserved in available vertebrate species. Based on the majority of available evidence to date, this variant is likely to be pathogenic.

Labcorp Genetics (formerly Invitae), Labcorp
Classification: Likely pathogenic for Familial cancer of breast; Fanconi anemia complementation group J. Last evaluated: 2021-11-25. Review status: criteria provided, single submitter. Criteria: Invitae Variant Classification Sherloc (09022015). Collection method: clinical testing. Allele origin: germline.
Comment: This sequence change affects a donor splice site in intron 18 of the BRIP1 gene. It is expected to disrupt RNA splicing. Variants that disrupt the donor or acceptor splice site typically lead to a loss of protein function (PMID: 16199547), and loss-of-function variants in BRIP1 are known to be pathogenic (PMID: 16116423, 17033622, 21964575). In summary, the currently available evidence indicates that the variant is pathogenic, but additional data are needed to prove that conclusively. Therefore, this variant has been classified as Likely Pathogenic. Algorithms developed to predict the effect of sequence changes on RNA splicing suggest that this variant may disrupt the consensus splice site. ClinVar contains an entry for this variant (Variation ID: 861455). This variant has not been reported in the literature in individuals affected with BRIP1-related conditions. This variant is not present in population databases (gnomAD no frequency).

Literature cited by the submitters: PubMed 16199547 (cited by Labcorp Genetics (formerly Invitae), Labcorp); PubMed 16116423 (cited by Labcorp Genetics (formerly Invitae), Labcorp); PubMed 17033622 (cited by Labcorp Genetics (formerly Invitae), Labcorp); PubMed 21964575 (cited by Labcorp Genetics (formerly Invitae), Labcorp).

NM_032043.3(BRIP1):c.2575+1G>T

Gene: BRIP1 (BRCA1 interacting DNA helicase 1; minus strand). Cytogenetic location: 17q23.2.
Variant type: single nucleotide variant.
Coding change: c.2575+1G>T on transcript NM_032043.3 (MANE Select); the canonical splice donor site of the intron after coding-DNA position 2575, G replaced by T.
Molecular consequence: splice donor variant.
Genome position (GRCh38, 1-based): chr17:61,693,429, C>A on the plus strand (G>T on the coding strand, the complement: BRIP1 is on the minus strand). VCF-style: chr17-61693429-C-A. GRCh37 (hg19) VCF-style: chr17-59770790-C-A.
Identifiers: ClinVar variation 861455 (VCV000861455.13), dbSNP rs1567737536, ClinGen allele CA400482300.